The following is an entry in ClinVar:

NM_024675.4(PALB2):c.351T>C (p.Pro117=)

Gene: PALB2 (partner and localizer of BRCA2; minus strand). Cytogenetic location: 16p12.2.
Variant type: single nucleotide variant.
Coding change: c.351T>C on transcript NM_024675.4 (MANE Select); coding-DNA position 351, T replaced by C.
Protein change: p.Pro117=; no amino-acid change (proline 117 retained).
Molecular consequence: synonymous variant.
Genome position (GRCh38, 1-based): chr16:23,636,195, A>G on the plus strand (T>C on the coding strand, the complement: PALB2 is on the minus strand). VCF-style: chr16-23636195-A-G. GRCh37 (hg19) VCF-style: chr16-23647516-A-G.
Identifiers: ClinVar variation 215937 (VCV000215937.26), dbSNP rs763330757, ClinGen allele CA336727.

ClinVar aggregate classification (germline): Benign/Likely benign. Review status: criteria provided, multiple submitters, no conflicts (2 of 4 stars). 9 submissions from 9 submitters: Benign (1); Likely benign (8). Last evaluated 2026-01-19.

Conditions:
Hereditary cancer-predisposing syndrome. Also called: Neoplastic Syndromes, Hereditary; Tumor predisposition; Hereditary Cancer Syndrome; Hereditary neoplastic syndrome. Identifiers: Orphanet 140162, MedGen C0027672, MeSH D009386, MONDO:0015356.
Familial cancer of breast. Also called: BREAST CANCER, FAMILIAL; Hereditary breast cancer; hereditary breast carcinoma. Identifiers: Orphanet 227535, MedGen C0346153, MONDO:0016419, OMIM 114480. Disease mechanism: loss of function.

Allele frequency attached by ClinVar (database versions not stated): gnomAD 0.00001; gnomAD exomes 0.00002 and 0.00006; TOPMed 0.00003; ExAC 0.00007.
gnomAD v4.1: 26 of 1,613,184 alleles (0.0016%); highest among the groups gnomAD compares: Admixed American, 0.038%; no homozygotes.

Submissions (9):

Labcorp Genetics (formerly Invitae), Labcorp
Classification: Likely benign for Familial cancer of breast. Last evaluated: 2026-01-19. Review status: criteria provided, single submitter. Criteria: Invitae Variant Classification Sherloc (09022015). Collection method: clinical testing. Allele origin: germline.

Quest Diagnostics Nichols Institute San Juan Capistrano
Classification: Likely benign. Last evaluated: 2025-08-12. Review status: criteria provided, single submitter. Criteria: Quest Diagnostics criteria. Collection method: clinical testing. Allele origin: unknown.

Myriad Genetics, Inc.
Classification: Benign for Familial cancer of breast. Last evaluated: 2025-01-10. Review status: criteria provided, single submitter. Criteria: Myriad Autosomal Dominant, Autosomal Recessive and X-Linked Classification Criteria (2023). Collection method: clinical testing. Allele origin: unknown.
Comment: This variant is considered benign. This variant is a silent/synonymous amino acid change and it is not expected to impact splicing.

Women's Health and Genetics/Laboratory Corporation of America, LabCorp
Classification: Likely benign. Last evaluated: 2023-07-22. Review status: criteria provided, single submitter. Criteria: LabCorp Variant Classification Summary - May 2015. Collection method: clinical testing. Allele origin: germline.

Blueprint Genetics
Classification: Likely benign. Last evaluated: 2023-07-07. Review status: criteria provided, single submitter. Criteria: ACMG Guidelines, 2015. Collection method: clinical testing. Allele origin: germline.

GeneDx
Classification: Likely benign. Last evaluated: 2019-03-04. Review status: criteria provided, single submitter. Criteria: GeneDx Variant Classification Process June 2021. Collection method: clinical testing. Allele origin: germline. Affected: yes.

Color Diagnostics, LLC DBA Color Health
Classification: Likely benign for Hereditary cancer-predisposing syndrome. Last evaluated: 2017-11-17. Review status: criteria provided, single submitter. Criteria: ACMG Guidelines, 2015. Collection method: clinical testing. Allele origin: germline.

PreventionGenetics, part of Exact Sciences
Classification: Likely benign. Last evaluated: 2017-08-17. Review status: criteria provided, single submitter. Criteria: ACMG Guidelines, 2015. Collection method: clinical testing. Allele origin: germline.

Ambry Genetics
Classification: Likely benign for Hereditary cancer-predisposing syndrome. Last evaluated: 2015-07-01. Review status: criteria provided, single submitter. Criteria: Ambry Variant Classification Scheme 2023. Collection method: clinical testing. Allele origin: germline.